The following is an entry in ClinVar:

NM_021098.3(CACNA1H):c.5638A>G (p.Ile1880Val)

Gene: CACNA1H (calcium voltage-gated channel subunit alpha1 H; plus strand). Cytogenetic location: 16p13.3.
Variant type: single nucleotide variant.
Coding change: c.5638A>G on transcript NM_021098.3 (MANE Select); coding-DNA position 5638, A replaced by G.
Protein change: p.Ile1880Val; replaces isoleucine 1880 with valine.
Molecular consequence: missense variant.
Genome position (GRCh38, 1-based): chr16:1,218,402, A>G. VCF-style: chr16-1218402-A-G. GRCh37 (hg19) VCF-style: chr16-1268402-A-G.
Other names: c.5620A>G, p.Ile1874Val (NM_001005407.2); short protein forms I1874V, I1880V.
Identifiers: ClinVar variation 1498449 (VCV001498449.5), dbSNP rs369689966, ClinGen allele CA7802084.

ClinVar aggregate classification (germline): Uncertain significance (1 of 4 stars; one submission).

Conditions:
Idiopathic generalized epilepsy. Also called: Generalised epilepsy; EIG. Identifiers: MedGen C0270850, MONDO:0005579, OMIM 600669.
Hyperaldosteronism, familial, type IV (HALD4). Also called: FH IV; ALDOSTERONISM, PRIMARY, AND HYPERTENSION. Identifiers: Orphanet 642671, MedGen C4310756, MONDO:0014875, OMIM 617027.

Allele frequency attached by ClinVar (database versions not stated): gnomAD exomes below 0.00001 and 0.00001; ESP Exome Variant Server 0.00008; ExAC 0.00004.
gnomAD v4.1: 2 of 1,557,142 alleles (0.00013%); highest among the groups gnomAD compares: African/African-American, 0.0014%; no homozygotes.

Submission:

Labcorp Genetics (formerly Invitae), Labcorp
Classification: Uncertain significance for Idiopathic generalized epilepsy; Hyperaldosteronism, familial, type IV. Last evaluated: 2024-06-09. Review status: criteria provided, single submitter. Criteria: Invitae Variant Classification Sherloc (09022015). Collection method: clinical testing. Allele origin: germline.
Comment: This sequence change replaces isoleucine, which is neutral and non-polar, with valine, which is neutral and non-polar, at codon 1880 of the CACNA1H protein (p.Ile1880Val). This variant is present in population databases (rs369689966, gnomAD 0.003%). This variant has not been reported in the literature in individuals affected with CACNA1H-related conditions. ClinVar contains an entry for this variant (Variation ID: 1498449). Advanced modeling of protein sequence and biophysical properties (such as structural, functional, and spatial information, amino acid conservation, physicochemical variation, residue mobility, and thermodynamic stability) performed at Invitae indicates that this missense variant is not expected to disrupt CACNA1H protein function with a negative predictive value of 80%. In summary, the available evidence is currently insufficient to determine the role of this variant in disease. Therefore, it has been classified as a Variant of Uncertain Significance.